The following is an entry in ClinVar:

ClinVar aggregate classification (germline): Pathogenic. Review status: criteria provided, multiple submitters, no conflicts (2 of 4 stars). 2 submissions from 2 submitters: Pathogenic (2). Last evaluated 2024-03-08.

Conditions:
T-B+ severe combined immunodeficiency due to JAK3 deficiency. Also called: SCID, T CELL-NEGATIVE, B CELL-POSITIVE, NK CELL-NEGATIVE; SCID, autosomal recessive, T-negative/B-positive type. Identifiers: Orphanet 35078, MedGen C1833275, MONDO:0010938, OMIM 600802.

Submissions (2):

Fulgent Genetics
Classification: Pathogenic for T-B+ severe combined immunodeficiency due to JAK3 deficiency. Last evaluated: 2024-03-08. Review status: criteria provided, single submitter. Criteria: ACMG Guidelines, 2015. Collection method: clinical testing. Allele origin: germline.

Labcorp Genetics (formerly Invitae), Labcorp
Classification: Pathogenic for T-B+ severe combined immunodeficiency due to JAK3 deficiency. Last evaluated: 2021-07-13. Review status: criteria provided, single submitter. Criteria: Invitae Variant Classification Sherloc (09022015). Collection method: clinical testing. Allele origin: germline.
Comment: This sequence change creates a premature translational stop signal (p.Leu462Alafs*58) in the JAK3 gene. It is expected to result in an absent or disrupted protein product. Loss-of-function variants in JAK3 are known to be pathogenic (PMID: 7481768, 11668621). This variant is not present in population databases (ExAC no frequency). This premature translational stop signal has been observed in individual(s) with autosomal recessive JAK3-related conditions (PMID: 28109013, 31589898). This variant is also known as c.1383_1384insG or c.1383insG. For these reasons, this variant has been classified as Pathogenic.

Literature cited by the submitters: PubMed 7481768 (cited by Labcorp Genetics (formerly Invitae), Labcorp); PubMed 11668621 (cited by Labcorp Genetics (formerly Invitae), Labcorp); PubMed 28109013 (cited by Labcorp Genetics (formerly Invitae), Labcorp); PubMed 31589898 (cited by Labcorp Genetics (formerly Invitae), Labcorp).

NM_000215.4(JAK3):c.1383dup (p.Leu462fs)

Gene: JAK3 (Janus kinase 3; minus strand). Cytogenetic location: 19p13.11.
Variant type: Duplication.
Coding change: c.1383dup on transcript NM_000215.4 (MANE Select); coding-DNA position 1383, one base duplicated (G; older notation c.1383dupG).
Protein change: p.Leu462fs; shifts the reading frame from leucine 462.
Molecular consequence: frameshift variant.
Genome position (GRCh38, 1-based): chr19:17,839,535, C duplicated on the plus strand (G on the coding strand, the reverse complement: JAK3 is on the minus strand); the first of 6 consecutive C bases (chr19:17,839,535-17,839,540); duplicating any one gives the same sequence. VCF-style (leftmost placement, unchanged base first): chr19-17839534-G-GC. GRCh37 (hg19) VCF-style: chr19-17950343-G-GC.
Other names: short protein forms L462fs.
Identifiers: ClinVar variation 1404557 (VCV001404557.7), dbSNP rs2147691124, ClinGen allele CA2573156185.